The following is an entry in ClinVar:

ClinVar aggregate classification (germline): Uncertain significance. Review status: criteria provided, multiple submitters, no conflicts (2 of 4 stars). 2 submissions from 2 submitters: Uncertain significance (2). Last evaluated 2022-04-23.

Conditions:
Inborn genetic diseases. Identifiers: MedGen C0950123, MeSH D030342.
Infantile-onset X-linked spinal muscular atrophy. Also called: AMC, DISTAL, X-LINKED; ARTHROGRYPOSIS, X-LINKED, TYPE I; SPINAL MUSCULAR ATROPHY, X-LINKED LETHAL INFANTILE; Spinal Muscular Atrophy, X-Linked Infantile; Spinal muscular atrophy, X-linked 2. Identifiers: Orphanet 1145, MedGen C1844934, MONDO:0010532, OMIM 301830.

Allele frequency attached by ClinVar (database versions not stated): gnomAD 0.00001; gnomAD exomes 0.00001; TOPMed 0.00002.
gnomAD v4.1: 10 of 1,209,800 alleles (0.00083%); highest among the groups gnomAD compares: African/African-American, 0.0052%; no homozygotes.

Submissions (2):

Labcorp Genetics (formerly Invitae), Labcorp
Classification: Uncertain significance for Infantile-onset X-linked spinal muscular atrophy. Last evaluated: 2022-04-23. Review status: criteria provided, single submitter. Criteria: Invitae Variant Classification Sherloc (09022015). Collection method: clinical testing. Allele origin: germline.
Comment: In summary, the available evidence is currently insufficient to determine the role of this variant in disease. Therefore, it has been classified as a Variant of Uncertain Significance. Algorithms developed to predict the effect of missense changes on protein structure and function (SIFT, PolyPhen-2, Align-GVGD) all suggest that this variant is likely to be tolerated. This variant has not been reported in the literature in individuals affected with UBA1-related conditions. This variant is present in population databases (no rsID available, gnomAD 0.001%). This sequence change replaces valine, which is neutral and non-polar, with isoleucine, which is neutral and non-polar, at codon 805 of the UBA1 protein (p.Val805Ile).

Ambry Genetics
Classification: Uncertain significance for Inborn genetic diseases. Last evaluated: 2021-05-21. Review status: criteria provided, single submitter. Criteria: Ambry Variant Classification Scheme 2023. Collection method: clinical testing. Allele origin: germline.
Comment: The p.V805I variant (also known as c.2413G>A), located in coding exon 19 of the UBA1 gene, results from a G to A substitution at nucleotide position 2413. The valine at codon 805 is replaced by isoleucine, an amino acid with highly similar properties. Based on data from gnomAD, the A allele has an overall frequency of 0.0005475% (1/182633) total alleles studied, with 0 hemizygotes observed. The highest observed frequency was 0.001222% (1/81847) of European non-Finnish alleles. This amino acid position is highly conserved in available vertebrate species. In addition, this alteration is predicted to be tolerated by in silico analysis. Since supporting evidence is limited at this time, the clinical significance of this alteration remains unclear.

NM_003334.4(UBA1):c.2413G>A (p.Val805Ile)

Gene: UBA1 (ubiquitin like modifier activating enzyme 1; plus strand). Cytogenetic location: Xp11.3.
Variant type: single nucleotide variant.
Coding change: c.2413G>A on transcript NM_003334.4 (MANE Select); coding-DNA position 2413, G replaced by A.
Protein change: p.Val805Ile; replaces valine 805 with isoleucine.
Molecular consequence: missense variant.
Genome position (GRCh38, 1-based): chrX:47,211,174, G>A. VCF-style: chrX-47211174-G-A. GRCh37 (hg19) VCF-style: chrX-47070573-G-A.
Other names: c.2413G>A, p.Val805Ile (NM_153280.3); short protein forms V805I.
Identifiers: ClinVar variation 1790917 (VCV001790917.7), dbSNP rs868958168, ClinGen allele CA412808913.
Genomic context (GRCh38, chrX:47,211,174, plus strand): 5'-GCTGCTGTGGCCACATTCCTGCAGTCTGTGCAGGTCCCCGAATTCACCCCCAAGTCTGGC[G>A]TCAAGATCCATGTTTCTGACCAGGAGCTGCAGAGCGCCAATGCCTCTGTTGGTGAGGGTG-3'
Protein context (NP_003325.2, residues 795-815): QVPEFTPKSG[Val805Ile]KIHVSDQELQ